The following is an entry in ClinVar:

ClinVar aggregate classification (germline): Uncertain significance (1 of 4 stars; one submission).

Allele frequency attached by ClinVar (database versions not stated): gnomAD exomes below 0.00001; ExAC 0.00001; gnomAD 0.00001; 1000 Genomes Project 30x 0.00016; 1000 Genomes Project 0.00020.

Submission:

Labcorp Genetics (formerly Invitae), Labcorp
Classification: Uncertain significance. Last evaluated: 2023-08-10. Review status: criteria provided, single submitter. Criteria: Invitae Variant Classification Sherloc (09022015). Collection method: clinical testing. Allele origin: germline.
Comment: This sequence change replaces isoleucine, which is neutral and non-polar, with valine, which is neutral and non-polar, at codon 654 of the ADGRG1 protein (p.Ile654Val). This variant is present in population databases (rs566924037, gnomAD 0.003%). This variant has not been reported in the literature in individuals affected with ADGRG1-related conditions. ClinVar contains an entry for this variant (Variation ID: 2185656). Advanced modeling of protein sequence and biophysical properties (such as structural, functional, and spatial information, amino acid conservation, physicochemical variation, residue mobility, and thermodynamic stability) performed at Invitae indicates that this missense variant is not expected to disrupt ADGRG1 protein function. In summary, the available evidence is currently insufficient to determine the role of this variant in disease. Therefore, it has been classified as a Variant of Uncertain Significance.

NM_201525.4(ADGRG1):c.1942A>G (p.Ile648Val)

Gene: ADGRG1 (adhesion G protein-coupled receptor G1; plus strand). Cytogenetic location: 16q21.
Variant type: single nucleotide variant.
Coding change: c.1942A>G on transcript NM_201525.4 (MANE Select); coding-DNA position 1942, A replaced by G.
Protein change: p.Ile648Val; replaces isoleucine 648 with valine.
Molecular consequence: missense variant.
Genome position (GRCh38, 1-based): chr16:57,663,460, A>G. VCF-style: chr16-57663460-A-G. GRCh37 (hg19) VCF-style: chr16-57697372-A-G.
Other names: c.1942A>G, p.Ile648Val (NM_001145770.3, NM_001145772.3, NM_001145774.3 and 7 more transcripts); c.1960A>G, p.Ile654Val (NM_001145771.3, NM_001370428.1, NM_001370429.1 and 4 more transcripts); c.1957A>G, p.Ile653Val (NM_001145773.3, NM_001370433.1, NM_001370434.1); c.1450A>G, p.Ile484Val (NM_001290142.2); c.1435A>G, p.Ile479Val (NM_001290143.2); c.1417A>G, p.Ile473Val (NM_001290144.2, NM_001370451.1, NM_001370453.1 and 1 more transcripts); c.1939A>G, p.Ile647Val (NM_001370441.1); c.1786A>G, p.Ile596Val (NM_001370442.1); short protein forms I473V, I647V, I596V, I484V, I648V, I479V, I653V, I654V.
Identifiers: ClinVar variation 2185656 (VCV002185656.4), dbSNP rs566924037, ClinGen allele CA8078911.
Genomic context (GRCh38, chr16:57,663,460, plus strand): 5'-GGATGGGGTGGGGCTCCCCCACCTGCTGACCCCGTGCCCTCACTGCCCGCAGGCTTCCTC[A>G]TCTTCATCTGGTACTGGTCCATGCGGCTGCAGGCCCGGGGTGGCCCCTCCCCTCTGAAGA-3'
Protein context (NP_958933.1, residues 638-658): SIITSFQGFL[Ile648Val]FIWYWSMRLQ